The following is an entry in ClinVar:

ClinVar aggregate classification (germline): Uncertain significance. Review status: criteria provided, multiple submitters, no conflicts (2 of 4 stars). 2 submissions from 2 submitters: Uncertain significance (2). Last evaluated 2021-12-14.

Conditions:
Usher syndrome, type 1M. Identifiers: MedGen C5231434, MONDO:0032841, OMIM 618632.
Autosomal recessive nonsyndromic hearing loss 36. Also called: Deafness, autosomal recessive 36; DEAFNESS, AUTOSOMAL RECESSIVE 36, WITH VESTIBULAR INVOLVEMENT. Identifiers: Orphanet 90636, MedGen C1837007, MONDO:0012170, OMIM 609006.

Allele frequency attached by ClinVar (database versions not stated): TOPMed below 0.00001; gnomAD 0.00001 and 0.00003; gnomAD exomes 0.00002 and 0.00003; ExAC 0.00003; 1000 Genomes Project 30x 0.00016; 1000 Genomes Project 0.00020.
gnomAD v4.1: 29 of 1,611,252 alleles (0.0018%); highest among the groups gnomAD compares: East Asian, 0.042%; no homozygotes.

Submissions (2):

Fulgent Genetics
Classification: Uncertain significance for Autosomal recessive nonsyndromic hearing loss 36; Usher syndrome, type 1M. Last evaluated: 2021-12-14. Review status: criteria provided, single submitter. Criteria: ACMG Guidelines, 2015. Collection method: clinical testing. Allele origin: unknown.

GeneDx
Classification: Uncertain significance. Last evaluated: 2019-08-13. Review status: criteria provided, single submitter. Criteria: GeneDx Variant Classification Process June 2021. Collection method: clinical testing. Allele origin: germline. Affected: yes.
Comment: In silico analysis, which includes protein predictors and evolutionary conservation, supports a deleterious effect; Has not been previously published as pathogenic or benign to our knowledge

NM_031475.3(ESPN):c.2069C>T (p.Ser690Leu)

Gene: ESPN (espin; plus strand). Cytogenetic location: 1p36.31.
Variant type: single nucleotide variant.
Coding change: c.2069C>T on transcript NM_031475.3 (MANE Select); coding-DNA position 2069, C replaced by T.
Protein change: p.Ser690Leu; replaces serine 690 with leucine.
Molecular consequence: missense variant.
Genome position (GRCh38, 1-based): chr1:6,451,840, C>T. VCF-style: chr1-6451840-C-T. GRCh37 (hg19) VCF-style: chr1-6511900-C-T.
Other names: c.1979C>T, p.Ser660Leu (NM_001367473.1); c.2006C>T, p.Ser669Leu (NM_001367474.1); short protein forms S660L, S669L, S690L.
Identifiers: ClinVar variation 1307782 (VCV001307782.3), dbSNP rs117053591, ClinGen allele CA560381.